The following is an entry in ClinVar:

NM_003091.4(SNRPB):c.*168C>A

Gene: SNRPB (small nuclear ribonucleoprotein polypeptides B and B1; minus strand). Cytogenetic location: 20p13.
Variant type: single nucleotide variant.
Coding change: c.*168C>A on transcript NM_003091.4 (MANE Select); 168 bases downstream of the stop codon, C replaced by A.
Molecular consequence: 3 prime UTR variant. On other transcripts: missense variant (1).
Genome position (GRCh38, 1-based): chr20:2,461,761, G>T on the plus strand (C>A on the coding strand, the complement: SNRPB is on the minus strand). VCF-style: chr20-2461761-G-T. GRCh37 (hg19) VCF-style: chr20-2442407-G-T.
Other names: c.718C>A, p.Pro240Thr (NM_198216.2); short protein forms P240T.
Identifiers: ClinVar variation 4752303 (VCV004752303.1).

ClinVar aggregate classification (germline): Uncertain significance (1 of 4 stars; one submission).

gnomAD v4.1: 5 of 1,605,898 alleles (0.00031%); highest among the groups gnomAD compares: Non-Finnish European, 0.00043%; no homozygotes.

Submission:

Labcorp Genetics (formerly Invitae), Labcorp
Classification: Uncertain significance. Last evaluated: 2025-07-21. Review status: criteria provided, single submitter. Criteria: Invitae Variant Classification Sherloc (09022015). Collection method: clinical testing. Allele origin: germline.
Comment: This sequence change replaces proline, which is neutral and non-polar, with threonine, which is neutral and polar, at codon 240 of the SNRPB protein (p.Pro240Thr). This variant is present in population databases (rs767608666, gnomAD 0.002%). This variant has not been reported in the literature in individuals affected with SNRPB-related conditions. Experimental studies and prediction algorithms are not available or were not evaluated, and the functional significance of this variant is currently unknown. Algorithms developed to predict the effect of sequence changes on RNA splicing suggest that this variant may create or strengthen a splice site. In summary, the available evidence is currently insufficient to determine the role of this variant in disease. Therefore, it has been classified as a Variant of Uncertain Significance.